The following is an entry in ClinVar:

ClinVar aggregate classification (germline): Pathogenic. Review status: criteria provided, multiple submitters, no conflicts (2 of 4 stars). 4 submissions from 4 submitters: Pathogenic (3). 1 of the submissions does not count toward it. Last evaluated 2026-09-29.

Conditions:
RASA1-related disorder. Also called: RASA1-related condition.
Capillary malformation-arteriovenous malformation syndrome. Also called: Capillary malformation-arteriovenous malformation. Identifiers: Orphanet 137667, MedGen C1842180, MONDO:0012016.
Hereditary hemorrhagic telangiectasia (HHT). Also called: Osler hemorrhagic telangiectasia syndrome; ORW DISEASE; Osler Weber Rendu syndrome; OSLER-RENDU-WEBER DISEASE. Identifiers: Orphanet 774, MedGen C0039445, MONDO:0019180. Disease mechanism: loss of function.

Submissions (4):

GeneDx
Classification: Pathogenic. Last evaluated: 2026-09-29. Review status: criteria provided, single submitter. Criteria: GeneDx Variant Classification Process June 2021. Collection method: clinical testing. Allele origin: germline.
Comment: Nonsense variant predicted to result in protein truncation, as the last 38 amino acid(s) are lost, and other loss-of-function variants have been reported downstream in HGMD; Not observed at significant frequency in large population cohorts (gnomAD); Identified in patients with capillary and arteriovenous malformations in published literature (PMID: 18446851, 29891884, 36710374); This variant is associated with the following publications: (PMID: 30683296, 25525159, 28295764, 29891884, 34958143, 18446851, 36710374, 24038909, 41603033)

Labcorp Genetics (formerly Invitae), Labcorp
Classification: Pathogenic for Capillary malformation-arteriovenous malformation syndrome. Last evaluated: 2024-06-30. Review status: criteria provided, single submitter. Criteria: Invitae Variant Classification Sherloc (09022015). Collection method: clinical testing. Allele origin: germline.
Comment: This sequence change creates a premature translational stop signal (p.Arg1010*) in the RASA1 gene. While this is not anticipated to result in nonsense mediated decay, it is expected to disrupt the last 38 amino acid(s) of the RASA1 protein. This variant is not present in population databases (gnomAD no frequency). This premature translational stop signal has been observed in individual(s) with RASA1-related conditions (PMID: 18446851, 24038909, 28295764, 29891884). ClinVar contains an entry for this variant (Variation ID: 949975). This variant disrupts a region of the RASA1 protein in which other variant(s) (p.Gln1019*) have been determined to be pathogenic (PMID: 24038909; Invitae). This suggests that this is a clinically significant region of the protein, and that variants that disrupt it are likely to be disease-causing. For these reasons, this variant has been classified as Pathogenic.

Seattle Children's Hospital Molecular Genetics Laboratory, Seattle Children's Hospital
Classification: Pathogenic for Hereditary hemorrhagic telangiectasia. Last evaluated: 2021-04-20. Review status: criteria provided, single submitter. Criteria: ACMG Guidelines, 2015. Collection method: clinical testing. Allele origin: somatic. Affected: yes.
Comment: This variant results in a premature termination codon in exon 24 and is expected to cause loss of protein function. This variant is absent from large population cohorts (0 of 250,868 alleles; Genome Aggregation Database v2.1). It has been previously observed in several individuals with RASA1-related conditions (PMID: 18446851, PMID: 29891884, PMID: 24038909), and other variants that disrupt this region have also been reported pathogenic (Ref 3).

PreventionGenetics, part of Exact Sciences
Classification: Pathogenic for RASA1-related condition. Last evaluated: 2024-08-21. Review status: no assertion criteria provided. Collection method: clinical testing. Allele origin: germline. Not counted in ClinVar's aggregate classification.
Comment: The RASA1 c.3028C>T variant is predicted to result in premature protein termination (p.Arg1010*). This variant has been reported to be pathogenic for capillary malformation-arteriovenous malformation (see for example, Revencu et al. 2008. PubMed ID: 18446851; Lacalm et al. 2018. PubMed ID: 28295764). This variant has not been reported in a large population database, indicating this variant is rare. Nonsense variants in RASA1 are expected to be pathogenic. This variant is interpreted as pathogenic.

Literature cited by the submitters: PubMed 18446851 (cited by Labcorp Genetics (formerly Invitae), Labcorp); PubMed 24038909 (cited by Labcorp Genetics (formerly Invitae), Labcorp); PubMed 28295764 (cited by Labcorp Genetics (formerly Invitae), Labcorp); PubMed 29891884 (cited by Labcorp Genetics (formerly Invitae), Labcorp).

NM_002890.3(RASA1):c.3028C>T (p.Arg1010Ter)

Genes: CCNH (cyclin H; minus strand), RASA1 (RAS p21 protein activator 1; plus strand). Cytogenetic location: 5q14.3.
Variant type: single nucleotide variant.
Coding change: c.3028C>T on transcript NM_002890.3 (MANE Select); coding-DNA position 3028, C replaced by T.
Protein change: p.Arg1010Ter; replaces arginine 1010 with a stop codon.
Molecular consequence: nonsense. On other transcripts: intron variant (1).
Genome position (GRCh38, 1-based): chr5:87,389,495, C>T. VCF-style: chr5-87389495-C-T. GRCh37 (hg19) VCF-style: chr5-86685312-C-T.
Other names: c.2497C>T, p.Arg833Ter (NM_022650.3); c.933+5549G>A (NM_001364075.2); short protein forms R1010*, R833*.
Identifiers: ClinVar variation 949975 (VCV000949975.12), dbSNP rs1762317272, ClinGen allele CA360388482.